The following is an entry in ClinVar:

NM_003721.4(RFXANK):c.754A>G (p.Ser252Gly)

Genes: NR2C2AP (nuclear receptor 2C2 associated protein; minus strand), RFXANK (regulatory factor X associated ankyrin containing protein; plus strand). Cytogenetic location: 19p13.11.
Variant type: single nucleotide variant.
Coding change: c.754A>G on transcript NM_003721.4 (MANE Select); coding-DNA position 754, A replaced by G.
Protein change: p.Ser252Gly; replaces serine 252 with glycine.
Molecular consequence: missense variant. On other transcripts: intron variant (1), 3 prime UTR variant (1).
Genome position (GRCh38, 1-based): chr19:19,201,690, A>G. VCF-style: chr19-19201690-A-G. GRCh37 (hg19) VCF-style: chr19-19312499-A-G.
Other names: c.751A>G, p.Ser251Gly (NM_001370235.1, NM_001370236.1); c.826A>G, p.Ser276Gly (NM_001370237.1); c.829A>G, p.Ser277Gly (NM_001370238.1); c.685A>G, p.Ser229Gly (NM_134440.3, NM_001278728.2); c.415-127T>C (NM_001300945.2); c.*235T>C (NM_176880.6); c.688A>G, p.Ser230Gly (NM_001278727.2, NM_001370234.1); c.754A>G, p.Ser252Gly (NM_001370233.1); short protein forms S277G, S229G, S230G, S251G, S252G, S276G.
Identifiers: ClinVar variation 846066 (VCV000846066.8), dbSNP rs761097826, ClinGen allele CA9322951.

ClinVar aggregate classification (germline): Uncertain significance. Review status: criteria provided, multiple submitters, no conflicts (2 of 4 stars). 2 submissions from 2 submitters: Uncertain significance (2). Last evaluated 2025-11-13.

Conditions:
Inborn genetic diseases. Identifiers: MedGen C0950123, MeSH D030342.
MHC class II deficiency. Also called: BLS, TYPE II; Bare lymphocyte syndrome 2. Identifiers: Orphanet 572, MedGen C5447452, MONDO:0008855.

Allele frequency attached by ClinVar (database versions not stated): TOPMed 0.00002; gnomAD 0.00003; ExAC 0.00004; gnomAD exomes 0.00004 and 0.00006.
gnomAD v4.1: 88 of 1,614,006 alleles (0.0055%); highest among the groups gnomAD compares: Non-Finnish European, 0.0072%; no homozygotes.

Submissions (2):

Ambry Genetics
Classification: Uncertain significance for Inborn genetic diseases. Last evaluated: 2025-11-13. Review status: criteria provided, single submitter. Criteria: Ambry Variant Classification Scheme 2023. Collection method: clinical testing. Allele origin: germline.

Labcorp Genetics (formerly Invitae), Labcorp
Classification: Uncertain significance for MHC class II deficiency. Last evaluated: 2022-07-06. Review status: criteria provided, single submitter. Criteria: Invitae Variant Classification Sherloc (09022015). Collection method: clinical testing. Allele origin: germline.
Comment: This sequence change replaces serine, which is neutral and polar, with glycine, which is neutral and non-polar, at codon 252 of the RFXANK protein (p.Ser252Gly). This variant is present in population databases (rs761097826, gnomAD 0.01%). This variant has not been reported in the literature in individuals affected with RFXANK-related conditions. ClinVar contains an entry for this variant (Variation ID: 846066). Algorithms developed to predict the effect of missense changes on protein structure and function (SIFT, PolyPhen-2, Align-GVGD) all suggest that this variant is likely to be tolerated. In summary, the available evidence is currently insufficient to determine the role of this variant in disease. Therefore, it has been classified as a Variant of Uncertain Significance.